The following is an entry in ClinVar:

NM_000287.4(PEX6):c.2735C>T (p.Ala912Val)

Gene: PEX6 (peroxisomal biogenesis factor 6; minus strand). Cytogenetic location: 6p21.1.
Variant type: single nucleotide variant.
Coding change: c.2735C>T on transcript NM_000287.4 (MANE Select); coding-DNA position 2735, C replaced by T.
Protein change: p.Ala912Val; replaces alanine 912 with valine.
Molecular consequence: missense variant. On other transcripts: non-coding transcript variant (1).
Genome position (GRCh38, 1-based): chr6:42,964,861, G>A on the plus strand (C>T on the coding strand, the complement: PEX6 is on the minus strand). VCF-style: chr6-42964861-G-A. GRCh37 (hg19) VCF-style: chr6-42932599-G-A.
Other names: c.2471C>T, p.Ala824Val (NM_001316313.2); c.[2735C>T] (NM_000287.3); short protein forms A824V, A912V.
Identifiers: ClinVar variation 845895 (VCV000845895.19), dbSNP rs62641232, ClinGen allele CA3810920.
Genomic context (GRCh38, chr6:42,964,861, plus strand): 5'-TCATGAACCCTGCGTTTGAGGGCAGCTGTCATAGCATCAGAGCAGAGAGAGTAGAGGTCC[G>A]CGCCCGTCAGCTGGGGAGGGCAGCAATCTAGCACGTTTACCAGGCTCACAGATGGCTCTA-3'
Protein context (NP_000278.3, residues 902-922): LDCCPPQLTG[Ala912Val]DLYSLCSDAM

ClinVar aggregate classification (germline): Pathogenic/Likely pathogenic. Review status: criteria provided, multiple submitters, no conflicts (2 of 4 stars). 8 submissions from 8 submitters: Pathogenic (4); Likely pathogenic (3). 1 of the submissions does not count toward it. Last evaluated 2026-03-27.

Conditions:
Zellweger spectrum disorders (ZS). Also called: Zellweger Spectrum Disorder (ZSD); Zellweger Spectrum Disorder; Zellweger Spectrum; Zellweger syndrome. Identifiers: Orphanet 912, MedGen C0043459, MONDO:0019609.
Peroxisome biogenesis disorder 4A (Zellweger) (PBD4A). Also called: Zellweger syndrome spectrum (PEX6-related). Identifiers: Orphanet 912, MedGen C3553936, MONDO:0013930, OMIM 614862. Disease mechanism: loss of function.
Peroxisome biogenesis disorder 4B (PBD4B). Also called: SPINOCEREBELLAR ATAXIA WITH BLINDNESS AND DEAFNESS 1. Identifiers: Orphanet 44, Orphanet 95433, MedGen C3553937, MONDO:0013931, OMIM 614863.
Peroxisome biogenesis disorder. Identifiers: Orphanet 79189, MedGen C1832200, MONDO:0019234. Disease mechanism: loss of function.
Heimler syndrome 2 (HMLR2). Also called: PEROXISOME BIOGENESIS DISORDER 4C. Identifiers: Orphanet 3220, MedGen C4225267, OMIM 616617, MONDO:0014709.
PEX6-related disorder. Also called: PEX6-related disorders; PEX6-related condition.

Allele frequency attached by ClinVar (database versions not stated): gnomAD exomes below 0.00001; ExAC 0.00001; TOPMed 0.00002; gnomAD 0.00003.
gnomAD v4.1: 8 of 1,613,980 alleles (0.0005%); highest among the groups gnomAD compares: East Asian, 0.0022%; no homozygotes.

Submissions (8):

PreventionGenetics, part of Exact Sciences
Classification: Likely pathogenic for PEX6-related condition. Last evaluated: 2026-03-27. Review status: criteria provided, single submitter. Criteria: ACMG Guidelines, 2015. Collection method: clinical testing. Allele origin: germline.
Comment: The PEX6 c.2735C>T variant is predicted to result in the amino acid substitution p.Ala912Val. This variant has been reported in the homozygous state in patients with autosomal recessive Zellweger syndrome, and segregates with the disease within families (Wang et al. 2016. PubMed ID: 27779215; Montaut et al. 2018. PubMed ID: 29913018; Guissart et al. 2016. PubMed ID: 26669662). This variant is reported in 0.0015% of alleles in individuals of European (Non-Finnish) descent in gnomAD. This variant is interpreted as likely pathogenic.

Labcorp Genetics (formerly Invitae), Labcorp
Classification: Pathogenic for Peroxisome biogenesis disorder. Last evaluated: 2025-08-23. Review status: criteria provided, single submitter. Criteria: Invitae Variant Classification Sherloc (09022015). Collection method: clinical testing. Allele origin: germline.
Comment: This sequence change replaces alanine, which is neutral and non-polar, with valine, which is neutral and non-polar, at codon 912 of the PEX6 protein (p.Ala912Val). This variant is present in population databases (rs62641232, gnomAD 0.002%). This missense change has been observed in individual(s) with Zellweger syndrome (PMID: 26669662, 27779215). In at least one individual the data is consistent with being in trans (on the opposite chromosome) from a pathogenic variant. It has also been observed to segregate with disease in related individuals. ClinVar contains an entry for this variant (Variation ID: 845895). Invitae Evidence Modeling of protein sequence and biophysical properties (such as structural, functional, and spatial information, amino acid conservation, physicochemical variation, residue mobility, and thermodynamic stability) indicates that this missense variant is expected to disrupt PEX6 protein function with a positive predictive value of 95%. This variant disrupts the p.Ala912 amino acid residue in PEX6. Other variant(s) that disrupt this residue have been observed in individuals with PEX6-related conditions (PMID: 27604308), which suggests that this may be a clinically significant amino acid residue. For these reasons, this variant has been classified as Pathogenic.

Natera, Inc.
Classification: Pathogenic for Zellweger syndrome. Last evaluated: 2025-01-06. Review status: criteria provided, single submitter. Criteria: Natera Variant Classification Schema (03/2026). Collection method: clinical testing. Allele origin: germline.
Comment: The c.2735C>T variant in PEX6 is a missense variant predicted to cause substitution of alanine to valine at amino acid 912. This variant is rare in the general population with a frequency below the threshold expected for the associated phenotype(s). This variant has been observed in one or more individuals affected with the associated recessive disease, as either homozygous or compound heterozygous with a second variant (PMID: 26669662, 2885714, 27779215). Additionally, this variant has been observed to segregate in affected family members (PMID: 26669662). A different variant at the same position has been determined to be Pathogenic or Likely Pathogenic. Computational prediction algorithms indicate this variant is likely to affect gene or protein function. Given the available evidence, this variant is classified as Pathogenic.

Fulgent Genetics
Classification: Pathogenic for Peroxisome biogenesis disorder 4A (Zellweger); Peroxisome biogenesis disorder 4B; Heimler syndrome 2. Last evaluated: 2024-03-05. Review status: criteria provided, single submitter. Criteria: ACMG Guidelines, 2015. Collection method: clinical testing. Allele origin: germline.

Baylor Genetics
Classification: Pathogenic for Heimler syndrome 2. Last evaluated: 2024-01-23. Review status: criteria provided, single submitter. Criteria: ACMG Guidelines, 2015. Collection method: clinical testing. Allele origin: unknown.

Center for Personalized Medicine, Children's Hospital Los Angeles
Classification: Likely pathogenic. Last evaluated: 2022-12-21. Review status: criteria provided, single submitter. Criteria: ACMG Guidelines, 2015. Collection method: clinical testing. Allele origin: inherited. Affected: yes.

Neuberg Centre For Genomic Medicine, NCGM
Classification: Likely pathogenic for Peroxisome biogenesis disorder 4A (Zellweger). Review status: criteria provided, single submitter. Criteria: ACMG Guidelines, 2015. Collection method: clinical testing. Allele origin: germline. Affected: yes.
Comment: The missense variant p.A912V in PEX6 (NM_000287.4) has been reported previously in individual(s) with Zellweger syndrome (Guissart C et al; Wang X et al ). The variant has been submitted to ClinVar as Likely Pathogenic. The p.A912V variant is observed in 1/1,13,724 (0.0009%) alleles from individuals of European (Non-Finnish) background in gnomAD Exomes and is novel (not in any individuals) in 1000 Genomes. The p.A912V missense variant is predicted to be damaging by both SIFT and PolyPhen2. The alanine residue at codon 912 of PEX6 is conserved in all mammalian species. The nucleotide c.2735 in PEX6 is predicted conserved by GERP++ and PhyloP across 100 vertebrates. For these reasons, this variant has been classified as Likely Pathogenic.

OMIM
Classification: Pathogenic for PEROXISOME BIOGENESIS DISORDER 4B. Last evaluated: 2025-03-17. Review status: no assertion criteria provided. Collection method: literature only. Allele origin: germline. Not counted in ClinVar's aggregate classification.

Literature cited by the submitters: PubMed 26669662 (cited by 3 submitters); PubMed 27779215 (cited by Labcorp Genetics (formerly Invitae), Labcorp and Natera, Inc.); PubMed 27604308 (cited by Labcorp Genetics (formerly Invitae), Labcorp); PubMed 2885714 (cited by Natera, Inc.).